The following is an entry in ClinVar:

NM_014822.4(SEC24D):c.2164G>A (p.Asp722Asn)

Gene: SEC24D (SEC24 homolog D, COPII component; minus strand). Cytogenetic location: 4q26.
Variant type: single nucleotide variant.
Coding change: c.2164G>A on transcript NM_014822.4 (MANE Select); coding-DNA position 2164, G replaced by A.
Protein change: p.Asp722Asn; replaces aspartic acid 722 with asparagine.
Molecular consequence: missense variant.
Genome position (GRCh38, 1-based): chr4:118,740,737, C>T on the plus strand (G>A on the coding strand, the complement: SEC24D is on the minus strand). VCF-style: chr4-118740737-C-T. GRCh37 (hg19) VCF-style: chr4-119661892-C-T.
Other names: c.2164G>A (NM_014822.2); c.2167G>A, p.Asp723Asn (NM_001318066.2); short protein forms D722N, D723N.
Identifiers: ClinVar variation 1423574 (VCV001423574.9), dbSNP rs766776660, ClinGen allele CA3057048.
Genomic context (GRCh38, chr4:118,740,737, plus strand): 5'-CACTGTCTTCACTGAGTTTGTCATCGTGCTTGAACTCCACGGTCACTGCCTTGTCACAAT[C>T]GATGGCAGCCATTTCTACATCGGTGGTGTTGTTCATCAAGATTCCACCAAAGAAATCAGT-3'
Protein context (NP_055637.2, residues 712-732): NTTDVEMAAI[Asp722Asn]CDKAVTVEFK

ClinVar aggregate classification (germline): Uncertain significance. Review status: criteria provided, multiple submitters, no conflicts (2 of 4 stars). 2 submissions from 2 submitters: Uncertain significance (2). Last evaluated 2025-08-08.

Conditions:
Inborn genetic diseases. Identifiers: MedGen C0950123, MeSH D030342.

Allele frequency attached by ClinVar (database versions not stated): gnomAD 0.00001.
gnomAD v4.1: 14 of 1,613,814 alleles (0.00087%); highest among the groups gnomAD compares: Admixed American, 0.0017%; no homozygotes.

Submissions (2):

Ambry Genetics
Classification: Uncertain significance for Inborn genetic diseases. Last evaluated: 2025-08-08. Review status: criteria provided, single submitter. Criteria: Ambry Variant Classification Scheme 2023. Collection method: clinical testing. Allele origin: germline.

Labcorp Genetics (formerly Invitae), Labcorp
Classification: Uncertain significance. Last evaluated: 2021-06-20. Review status: criteria provided, single submitter. Criteria: Invitae Variant Classification Sherloc (09022015). Collection method: clinical testing. Allele origin: germline.
Comment: In summary, the available evidence is currently insufficient to determine the role of this variant in disease. Therefore, it has been classified as a Variant of Uncertain Significance. Algorithms developed to predict the effect of missense changes on protein structure and function are either unavailable or do not agree on the potential impact of this missense change (SIFT: "Not Available"; PolyPhen-2: "Probably Damaging"; Align-GVGD: "Not Available"). This variant has not been reported in the literature in individuals with SEC24D-related conditions. This variant is present in population databases (rs766776660, ExAC 0.003%). This sequence change replaces aspartic acid with asparagine at codon 722 of the SEC24D protein (p.Asp722Asn). The aspartic acid residue is highly conserved and there is a small physicochemical difference between aspartic acid and asparagine.